The following is an entry in ClinVar:

ClinVar aggregate classification (germline): Uncertain significance (1 of 4 stars; one submission).

gnomAD v4.1: 1 of 1,614,158 alleles (0.000062%); highest among the groups gnomAD compares: South Asian, 0.0011%; no homozygotes.

Submission:

Labcorp Genetics (formerly Invitae), Labcorp
Classification: Uncertain significance. Last evaluated: 2021-12-15. Review status: criteria provided, single submitter. Criteria: Invitae Variant Classification Sherloc (09022015). Collection method: clinical testing. Allele origin: germline.
Comment: This sequence change replaces leucine, which is neutral and non-polar, with valine, which is neutral and non-polar, at codon 1604 of the ALPK3 protein (p.Leu1604Val). This variant is not present in population databases (gnomAD no frequency). This missense change has been observed in individual(s) with clinical features of hypertrophic cardiomyopathy (Invitae). Algorithms developed to predict the effect of missense changes on protein structure and function are either unavailable or do not agree on the potential impact of this missense change (SIFT: "Deleterious"; PolyPhen-2: "Probably Damaging"; Align-GVGD: "Class C0"). Algorithms developed to predict the effect of sequence changes on RNA splicing suggest that this variant may create or strengthen a splice site. In summary, the available evidence is currently insufficient to determine the role of this variant in disease. Therefore, it has been classified as a Variant of Uncertain Significance.

NM_020778.5(ALPK3):c.4204C>G (p.Leu1402Val)

Gene: ALPK3 (alpha kinase 3; plus strand). Cytogenetic location: 15q25.3.
Variant type: single nucleotide variant.
Coding change: c.4204C>G on transcript NM_020778.5 (MANE Select); coding-DNA position 4204, C replaced by G.
Protein change: p.Leu1402Val; replaces leucine 1402 with valine.
Molecular consequence: missense variant.
Genome position (GRCh38, 1-based): chr15:84,862,709, C>G. VCF-style: chr15-84862709-C-G. GRCh37 (hg19) VCF-style: chr15-85405940-C-G.
Other names: short protein forms L1402V.
Identifiers: ClinVar variation 1355633 (VCV001355633.6), dbSNP rs1357707595, ClinGen allele CA393362724.